The following is an entry in ClinVar:

NM_001042492.3(NF1):c.1261-18G>A

Gene: NF1 (neurofibromin 1; plus strand). Cytogenetic location: 17q11.2.
Variant type: single nucleotide variant.
Coding change: c.1261-18G>A on transcript NM_001042492.3 (MANE Select); 18 bases into the intron before coding-DNA position 1261, G replaced by A.
Molecular consequence: intron variant.
Genome position (GRCh38, 1-based): chr17:31,206,222, G>A. VCF-style: chr17-31206222-G-A. GRCh37 (hg19) VCF-style: chr17-29533240-G-A.
Other names: c.1261-18G>A (NM_000267.4, NM_001128147.3).
Identifiers: ClinVar variation 1629250 (VCV001629250.9), dbSNP rs2143913110, ClinGen allele CA2573153604.

ClinVar aggregate classification (germline): Likely benign. Review status: criteria provided, multiple submitters, no conflicts (2 of 4 stars). 2 submissions from 2 submitters: Likely benign (2). Last evaluated 2026-09-23.

Conditions:
Neurofibromatosis, type 1 (NF1). Also called: NEUROFIBROMATOSIS, TYPE I, SOMATIC; Neurofibromatosis, type I; VON RECKLINGHAUSEN DISEASE; Peripheral type neurofibromatosis. Identifiers: Orphanet 636, MedGen C0027831, MONDO:0018975, OMIM 162200. Disease mechanism: loss of function.

Allele frequency attached by ClinVar (database versions not stated): gnomAD exomes 0.00001.
gnomAD v4.1: 8 of 1,613,266 alleles (0.0005%); highest among the groups gnomAD compares: Non-Finnish European, 0.00068%; no homozygotes.

Submissions (2):

Myriad Genetics, Inc.
Classification: Likely benign for Neurofibromatosis, type 1. Last evaluated: 2026-09-23. Review status: criteria provided, single submitter. Criteria: Myriad Autosomal Dominant, Autosomal Recessive and X-Linked Classification Criteria (2023). Collection method: clinical testing. Allele origin: unknown.
Comment: This variant is considered likely benign. This variant is intronic and is not expected to impact mRNA splicing.

Labcorp Genetics (formerly Invitae), Labcorp
Classification: Likely benign for Neurofibromatosis, type 1. Last evaluated: 2025-06-16. Review status: criteria provided, single submitter. Criteria: Invitae Variant Classification Sherloc (09022015). Collection method: clinical testing. Allele origin: germline.